The following is an entry in ClinVar:

ClinVar aggregate classification (germline): Uncertain significance (1 of 4 stars; one submission).

Submission:

Dasa
Classification: Uncertain significance. Last evaluated: 2024-12-11. Review status: criteria provided, single submitter. Criteria: DASA Assertion Criteria. Collection method: clinical testing. Allele origin: germline.
Comment: NM_005499.3(UBA2):c.890C>T (p.Ser297Leu) is a missense variant that results in the substitution of serine with leucine. This variant is rare in population databases. Computational prediction algorithms are consistent with a benign effect. The currently available literature and clinical evidence are not sufficient to establish a definitive association between this variant and the reported condition. Therefore, this variant is classified as a variant of uncertain significance.

NM_005499.3(UBA2):c.890C>T (p.Ser297Leu)

Gene: UBA2 (ubiquitin like modifier activating enzyme 2; plus strand). Cytogenetic location: 19q13.11.
Variant type: single nucleotide variant.
Coding change: c.890C>T on transcript NM_005499.3 (MANE Select); coding-DNA position 890, C replaced by T.
Protein change: p.Ser297Leu; replaces serine 297 with leucine.
Molecular consequence: missense variant.
Genome position (GRCh38, 1-based): chr19:34,451,999, C>T. VCF-style: chr19-34451999-C-T. GRCh37 (hg19) VCF-style: chr19-34942904-C-T.
Other names: c.602C>T, p.Ser201Leu (NM_001411139.1); short protein forms S201L, S297L.
Identifiers: ClinVar variation 4883591 (VCV004883591.2).